The following is an entry in ClinVar:

NM_014865.4(NCAPD2):c.2735-6C>T

Gene: NCAPD2 (non-SMC condensin I complex subunit D2; plus strand). Cytogenetic location: 12p13.31.
Variant type: single nucleotide variant.
Coding change: c.2735-6C>T on transcript NM_014865.4 (MANE Select); 6 bases into the intron before coding-DNA position 2735, C replaced by T.
Molecular consequence: intron variant.
Genome position (GRCh38, 1-based): chr12:6,526,885, C>T. VCF-style: chr12-6526885-C-T. GRCh37 (hg19) VCF-style: chr12-6636051-C-T.
Other names: c.2735-6C>T (NM_014865.3).
Identifiers: ClinVar variation 1298532 (VCV001298532.37), dbSNP rs367994723, ClinGen allele CA6408851.

ClinVar aggregate classification (germline): Uncertain significance. Review status: criteria provided, multiple submitters, no conflicts (2 of 4 stars). 2 submissions from 2 submitters: Uncertain significance (2). Last evaluated 2022-04-04.

Conditions:
Inborn genetic diseases. Identifiers: MedGen C0950123, MeSH D030342.

Allele frequency attached by ClinVar (database versions not stated): ESP Exome Variant Server 0.00008; gnomAD 0.00018 and 0.00019; gnomAD exomes 0.00023 and 0.00038; TOPMed 0.00023; ExAC 0.00045.
gnomAD v4.1: 368 of 1,605,728 alleles (0.023%); highest among the groups gnomAD compares: Non-Finnish European, 0.029%; 1 homozygote.

Submissions (2):

Ambry Genetics
Classification: Uncertain significance for Inborn genetic diseases. Last evaluated: 2022-04-04. Review status: criteria provided, single submitter. Criteria: Ambry Variant Classification Scheme 2023. Collection method: clinical testing. Allele origin: germline.
Comment: The c.2735-6C>T intronic alteration consists of a C to T substitution 6 nucleotides before coding exon 21 in the NCAPD2 gene. Based on insufficient or conflicting evidence, the clinical significance of this alteration remains unclear.

CeGaT Center for Human Genetics Tuebingen
Classification: Uncertain significance. Last evaluated: 2021-09-01. Review status: criteria provided, single submitter. Criteria: CeGaT Center For Human Genetics Tuebingen Variant Classification Criteria Version 2. Collection method: clinical testing. Allele origin: germline. Affected: yes. Observed: 1 variant allele.